The following is an entry in ClinVar:

ClinVar aggregate classification (germline): Uncertain significance (1 of 4 stars; one submission).

gnomAD v4.1: 1 of 1,600,968 alleles (0.000062%); highest among the groups gnomAD compares: Admixed American, 0.0017%; no homozygotes.

Submission:

Labcorp Genetics (formerly Invitae), Labcorp
Classification: Uncertain significance. Last evaluated: 2025-06-09. Review status: criteria provided, single submitter. Criteria: Invitae Variant Classification Sherloc (09022015). Collection method: clinical testing. Allele origin: germline.
Comment: This sequence change replaces asparagine, which is neutral and polar, with lysine, which is basic and polar, at codon 314 of the IGF1R protein (p.Asn314Lys). This variant is present in population databases (no rsID available, gnomAD 0.003%). This variant has not been reported in the literature in individuals affected with IGF1R-related conditions. Invitae Evidence Modeling of protein sequence and biophysical properties (such as structural, functional, and spatial information, amino acid conservation, physicochemical variation, residue mobility, and thermodynamic stability) indicates that this missense variant is not expected to disrupt IGF1R protein function with a negative predictive value of 80%. In summary, the available evidence is currently insufficient to determine the role of this variant in disease. Therefore, it has been classified as a Variant of Uncertain Significance.

NM_000875.5(IGF1R):c.942C>A (p.Asn314Lys)

Gene: IGF1R (insulin like growth factor 1 receptor; plus strand). Cytogenetic location: 15q26.3.
Variant type: single nucleotide variant.
Coding change: c.942C>A on transcript NM_000875.5 (MANE Select); coding-DNA position 942, C replaced by A.
Protein change: p.Asn314Lys; replaces asparagine 314 with lysine.
Molecular consequence: missense variant.
Genome position (GRCh38, 1-based): chr15:98,891,626, C>A. VCF-style: chr15-98891626-C-A. GRCh37 (hg19) VCF-style: chr15-99434855-C-A.
Other names: c.942C>A, p.Asn314Lys (NM_001291858.2); short protein forms N314K.
Identifiers: ClinVar variation 4773403 (VCV004773403.1).
Genomic context (GRCh38, chr15:98,891,626, plus strand): 5'-GGGGTTTGTGATCCACGACGGCGAGTGCATGCAGGAGTGCCCCTCGGGCTTCATCCGCAA[C>A]GGCAGCCAGAGGTCAGTCGCGGCCACACGTGTGGTCACTACCCGCCCCACCTCACCCGCC-3'
Protein context (NP_000866.1, residues 304-324): MQECPSGFIR[Asn314Lys]GSQSMYCIPC